The following is an entry in ClinVar:

ClinVar aggregate classification (germline): Uncertain significance (1 of 4 stars; one submission).

Submission:

Labcorp Genetics (formerly Invitae), Labcorp
Classification: Uncertain significance. Last evaluated: 2024-03-05. Review status: criteria provided, single submitter. Criteria: Invitae Variant Classification Sherloc (09022015). Collection method: clinical testing. Allele origin: germline.
Comment: This variant, c.1196_1198del, results in the deletion of 1 amino acid(s) of the INTU protein (p.Arg399del), but otherwise preserves the integrity of the reading frame. This variant is not present in population databases (gnomAD no frequency). This variant has not been reported in the literature in individuals affected with INTU-related conditions. Experimental studies and prediction algorithms are not available or were not evaluated, and the functional significance of this variant is currently unknown. In summary, the available evidence is currently insufficient to determine the role of this variant in disease. Therefore, it has been classified as a Variant of Uncertain Significance.

NM_015693.4(INTU):c.1196_1198del (p.Arg399del)

Gene: INTU (inturned planar cell polarity protein; plus strand). Cytogenetic location: 4q28.1.
Variant type: Deletion.
Coding change: c.1196_1198del on transcript NM_015693.4 (MANE Select); coding-DNA positions 1196 to 1198, 3 bases deleted (GTC; older notation c.1196_1198delGTC).
Protein change: p.Arg399del; deletes arginine 399.
Genome position (GRCh38, 1-based): chr4:127,684,423-127,684,425, GTC deleted; deleting any 3 consecutive bases within chr4:127,684,421-127,684,425 gives the same sequence; the c. name uses the placement nearest the transcript's 3' end. VCF-style (leftmost placement, unchanged base first): chr4-127684420-CTCG-C. GRCh37 (hg19) VCF-style: chr4-128605575-CTCG-C.
Other names: short protein forms R399del.
Identifiers: ClinVar variation 3632194 (VCV003632194.2).